The following is an entry in ClinVar:

ClinVar aggregate classification (germline): Likely benign. Review status: criteria provided, multiple submitters, no conflicts (2 of 4 stars). 2 submissions from 2 submitters: Likely benign (2). Last evaluated 2025-10-06.

Conditions:
RPGRIP1L-related disorder. Also called: RPGRIP1L-related condition; RPGRIP1L-related disorders. Identifiers: MedGen CN239416.
Meckel-Gruber syndrome. Also called: Dysencephalia splachnocystica; DYSENCEPHALIA SPLANCHNOCYSTICA; GRUBER SYNDROME. Identifiers: Orphanet 564, MedGen C0265215, MONDO:0018921.
Joubert syndrome. Also called: Familial aplasia of the vermis; JOUBERT-BOLTSHAUSER SYNDROME. Identifiers: Orphanet 475, MedGen C5979921, MONDO:0018772.

Allele frequency attached by ClinVar (database versions not stated): gnomAD 0.00001.
gnomAD v4.1: 4 of 653,250 alleles (0.00061%); highest among the groups gnomAD compares: Non-Finnish European, 0.0011%; no homozygotes.

Submissions (2):

PreventionGenetics, part of Exact Sciences
Classification: Likely benign for RPGRIP1L-related condition. Last evaluated: 2025-10-06. Review status: criteria provided, single submitter. Criteria: ACMG Guidelines, 2015. Collection method: clinical testing. Allele origin: germline.
Comment: This variant is classified as likely benign based on ACMG/AMP sequence variant interpretation guidelines (Richards et al. 2015 PMID: 25741868, with internal and published modifications).

Labcorp Genetics (formerly Invitae), Labcorp
Classification: Likely benign for Joubert syndrome; Meckel-Gruber syndrome. Last evaluated: 2025-06-09. Review status: criteria provided, single submitter. Criteria: Invitae Variant Classification Sherloc (09022015). Collection method: clinical testing. Allele origin: germline.

NM_015272.5(RPGRIP1L):c.3351C>T (p.Asn1117=)

Gene: RPGRIP1L (RPGRIP1 like; minus strand). Cytogenetic location: 16q12.2.
Variant type: single nucleotide variant.
Coding change: c.3351C>T on transcript NM_015272.5 (MANE Select); coding-DNA position 3351, C replaced by T.
Protein change: p.Asn1117=; no amino-acid change (asparagine 1117 retained).
Molecular consequence: synonymous variant. On other transcripts: intron variant (2).
Genome position (GRCh38, 1-based): chr16:53,622,300, G>A on the plus strand (C>T on the coding strand, the complement: RPGRIP1L is on the minus strand). VCF-style: chr16-53622300-G-A. GRCh37 (hg19) VCF-style: chr16-53656212-G-A.
Other names: c.3351C>T (NM_015272.4); c.3249C>T, p.Asn1083= (NM_001330538.2); c.3193-3092C>T (NM_001127897.4); c.3295-3092C>T (NM_001308334.3).
Identifiers: ClinVar variation 2926532 (VCV002926532.4), dbSNP rs1300571190, ClinGen allele CA495538075.